The following is an entry in ClinVar:

ClinVar aggregate classification (germline): Pathogenic (1 of 4 stars; one submission).

Conditions:
Charcot-Marie-Tooth disease, type I (CMT1). Also called: Charcot-Marie-Tooth disease type 1; Charcot-Marie-Tooth, Type 1. Identifiers: Orphanet 65753, MedGen C0751036, MONDO:0019011.

Submission:

Labcorp Genetics (formerly Invitae), Labcorp
Classification: Pathogenic for Charcot-Marie-Tooth disease, type I. Last evaluated: 2016-12-24. Review status: criteria provided, single submitter. Criteria: Invitae Variant Classification Sherloc (09022015). Collection method: clinical testing. Allele origin: germline.
Comment: A gross deletion of the genomic region encompassing the full coding sequence of the PMP22 gene has been identified. The boundaries of this event are unknown as the deletion extends beyond the assayed region for this gene and therefore may encompass additional genes. Approximately 80% of individuals with hereditary neuropathy with liability to pressure palsies (HNPP) have a 1.5Mb deletion at 17p11.2 (which includes PMP22) on one chromosome (PMID: 8894410, 20301566). Because deletions of PMP22 are a known mechanism of disease in HNPP, this sequence change has been classified as Pathogenic.

NC_000017.11:g.(?_15229777)_(15260761_?)del

Genes: MIR4731 (microRNA 4731; minus strand), PMP22 (peripheral myelin protein 22; minus strand). Cytogenetic location: 17p12.
Variant type: Deletion.
Identifiers: ClinVar variation 237629 (VCV000237629.1).